The following is an entry in ClinVar:

ClinVar aggregate classification (germline): Likely benign. Review status: criteria provided, single submitter (1 of 4 stars). 2 submissions from 2 submitters: Likely benign (1). 1 of the submissions does not count toward it. Last evaluated 2026-01-17.

Conditions:
ADAMTS18-related disorder. Also called: ADAMTS18-related condition.

Allele frequency attached by ClinVar (database versions not stated): TOPMed 0.00002; gnomAD 0.00003; ExAC 0.00004; gnomAD exomes 0.00004; ESP Exome Variant Server 0.00015.
gnomAD v4.1: 38 of 1,614,088 alleles (0.0024%); highest among the groups gnomAD compares: Non-Finnish European, 0.0031%; no homozygotes.

Submissions (2):

Labcorp Genetics (formerly Invitae), Labcorp
Classification: Likely benign. Last evaluated: 2026-01-17. Review status: criteria provided, single submitter. Criteria: Invitae Variant Classification Sherloc (09022015). Collection method: clinical testing. Allele origin: germline.

PreventionGenetics, part of Exact Sciences
Classification: Likely benign for ADAMTS18-related condition. Last evaluated: 2019-09-12. Review status: no assertion criteria provided. Collection method: clinical testing. Allele origin: germline. Not counted in ClinVar's aggregate classification.
Comment: This variant is classified as likely benign based on ACMG/AMP sequence variant interpretation guidelines (Richards et al. 2015 PMID: 25741868, with internal and published modifications).

NM_199355.4(ADAMTS18):c.2907A>C (p.Ala969=)

Gene: ADAMTS18 (ADAM metallopeptidase with thrombospondin type 1 motif 18; minus strand). Cytogenetic location: 16q23.1.
Variant type: single nucleotide variant.
Coding change: c.2907A>C on transcript NM_199355.4 (MANE Select); coding-DNA position 2907, A replaced by C.
Protein change: p.Ala969=; no amino-acid change (alanine 969 retained).
Molecular consequence: synonymous variant.
Genome position (GRCh38, 1-based): chr16:77,295,022, T>G on the plus strand (A>C on the coding strand, the complement: ADAMTS18 is on the minus strand). VCF-style: chr16-77295022-T-G. GRCh37 (hg19) VCF-style: chr16-77328919-T-G.
Other names: c.2391A>C, p.Ala797= (NM_001326358.2); c.2907A>C (NM_199355.3).
Identifiers: ClinVar variation 1124730 (VCV001124730.11), dbSNP rs140716153, ClinGen allele CA8180699.
Genomic context (GRCh38, chr16:77,295,022, plus strand): 5'-ATGGCTGTTGCAGGCTTGGACCTGAGTGGGTGTGCTCACTGGACAGAGAGAATGCAACAC[T>G]GCTTCCTCCTTTTGGAAGGGCTTCTTTTGCACACACTGGATCTTTCGGCTCTGCTGGCCT-3'
Protein context (NP_955387.1, residues 959-979): VQKKPFQKEE[Ala969=]VLHSLCPVST